The following is an entry in ClinVar:

NM_002880.4(RAF1):c.332G>A (p.Arg111His)

Gene: RAF1 (Raf-1 proto-oncogene, serine/threonine kinase; minus strand). Cytogenetic location: 3p25.2.
Variant type: single nucleotide variant.
Coding change: c.332G>A on transcript NM_002880.4 (MANE Select); coding-DNA position 332, G replaced by A.
Protein change: p.Arg111His; replaces arginine 111 with histidine.
Molecular consequence: missense variant. On other transcripts: non-coding transcript variant (3).
Genome position (GRCh38, 1-based): chr3:12,609,324, C>T on the plus strand (G>A on the coding strand, the complement: RAF1 is on the minus strand). VCF-style: chr3-12609324-C-T. GRCh37 (hg19) VCF-style: chr3-12650823-C-T.
Other names: c.332G>A, p.Arg111His (NM_001354689.3, NM_001354690.3, NM_001354693.3); c.89G>A, p.Arg30His (NM_001354691.3, NM_001354692.3, NM_001354694.3 and 1 more transcripts); short protein forms R30H, R111H.
Identifiers: ClinVar variation 930654 (VCV000930654.10), dbSNP rs996417348, ClinGen allele CA69623130.

ClinVar aggregate classification (germline): Uncertain significance. Review status: criteria provided, multiple submitters, no conflicts (2 of 4 stars). 3 submissions from 3 submitters: Uncertain significance (3). Last evaluated 2025-02-13.

Conditions:
LEOPARD syndrome 2 (LPRD2). Also called: RAF1-Related LEOPARD Syndrome. Identifiers: Orphanet 500, MedGen C1969056, MONDO:0012691, OMIM 611554.
Cardiovascular phenotype. Identifiers: MedGen CN230736.
RASopathy. Also called: rasopathies; Noonan spectrum disorder. Identifiers: Orphanet 536391, MedGen C5555857, MONDO:0021060.

Allele frequency attached by ClinVar (database versions not stated): gnomAD exomes below 0.00001; TOPMed 0.00001.
gnomAD v4.1: 3 of 1,611,674 alleles (0.00019%); highest among the groups gnomAD compares: African/African-American, 0.0013%; no homozygotes.

Submissions (3):

Labcorp Genetics (formerly Invitae), Labcorp
Classification: Uncertain significance for RASopathy. Last evaluated: 2025-02-13. Review status: criteria provided, single submitter. Criteria: Invitae Variant Classification Sherloc (09022015). Collection method: clinical testing. Allele origin: germline.
Comment: This sequence change replaces arginine, which is basic and polar, with histidine, which is basic and polar, at codon 111 of the RAF1 protein (p.Arg111His). This variant is not present in population databases (gnomAD no frequency). This variant has not been reported in the literature in individuals affected with RAF1-related conditions. ClinVar contains an entry for this variant (Variation ID: 930654). Invitae Evidence Modeling incorporating data from in vitro experimental studies (internal data) indicates that this missense variant is not expected to disrupt RAF1 function with a negative predictive value of 95%. In summary, the available evidence is currently insufficient to determine the role of this variant in disease. Therefore, it has been classified as a Variant of Uncertain Significance.

Ambry Genetics
Classification: Uncertain significance for Cardiovascular phenotype. Last evaluated: 2022-04-04. Review status: criteria provided, single submitter. Criteria: Ambry Variant Classification Scheme 2023. Collection method: clinical testing. Allele origin: germline.
Comment: The p.R111H variant (also known as c.332G>A), located in coding exon 3 of the RAF1 gene, results from a G to A substitution at nucleotide position 332. The arginine at codon 111 is replaced by histidine, an amino acid with highly similar properties. This amino acid position is well conserved in available vertebrate species. In addition, the in silico prediction for this alteration is inconclusive. Since supporting evidence is limited at this time, the clinical significance of this alteration remains unclear.

Centre for Mendelian Genomics, University Medical Centre Ljubljana
Classification: Uncertain significance for LEOPARD syndrome 2. Last evaluated: 2020-01-26. Review status: criteria provided, single submitter. Criteria: ACMG Guidelines, 2015. Collection method: clinical testing. Allele origin: unknown. Affected: yes.
Comment: This variant was classified as: Uncertain significance. The following ACMG criteria were applied in classifying this variant: PM2,PP3.